The following is an entry in ClinVar:

ClinVar aggregate classification (germline): Uncertain significance (1 of 4 stars; one submission).

Submission:

Labcorp Genetics (formerly Invitae), Labcorp
Classification: Uncertain significance. Last evaluated: 2022-07-12. Review status: criteria provided, single submitter. Criteria: Invitae Variant Classification Sherloc (09022015). Collection method: clinical testing. Allele origin: germline.
Comment: In summary, the available evidence is currently insufficient to determine the role of this variant in disease. Therefore, it has been classified as a Variant of Uncertain Significance. Experimental studies and prediction algorithms are not available or were not evaluated, and the functional significance of this variant is currently unknown. ClinVar contains an entry for this variant (Variation ID: 1442679). This variant has not been reported in the literature in individuals affected with SBF1-related conditions. This variant is not present in population databases (gnomAD no frequency). This variant, c.4926_4927insTCA, is a complex sequence change that results in the deletion of 2 and insertion of 1 amino acid(s) in the SBF1 protein (p.Glu1642_Pro1643insSer).

NM_002972.4(SBF1):c.4926_4927insTCA (p.Glu1642_Pro1643insSer)

Gene: SBF1 (SET binding factor 1; minus strand). Cytogenetic location: 22q13.33.
Variant type: Insertion.
Coding change: c.4926_4927insTCA on transcript NM_002972.4 (MANE Select); coding-DNA positions 4926 to 4927, TCA inserted.
Protein change: p.Glu1642_Pro1643insSer.
Molecular consequence: inframe insertion.
Genome position: GRCh38 VCF-style: chr22-50454628-G-GTGA. GRCh37 (hg19) VCF-style: chr22-50893057-G-GTGA.
Other names: c.4851_4852insTCA, p.Glu1617_Pro1618insSer (NM_001365819.1).
Identifiers: ClinVar variation 1442679 (VCV001442679.4), dbSNP rs2067175454, ClinGen allele CA2410863758.